The following is an entry in ClinVar:

ClinVar aggregate classification (germline): Uncertain significance (1 of 4 stars; one submission).

Conditions:
Neutropenia, severe congenital, 1, autosomal dominant. Identifiers: MedGen C1859966, MONDO:0042490, OMIM 202700.
Cyclical neutropenia. Also called: Cyclic hematopoiesis; Cyclic Neutropenia. Identifiers: Orphanet 2686, MedGen C0221023, MONDO:0008090, OMIM 162800, HP:0040289. Disease mechanism: loss of function.

Submission:

Labcorp Genetics (formerly Invitae), Labcorp
Classification: Uncertain significance for Neutropenia, severe congenital, 1, autosomal dominant; Cyclical neutropenia. Last evaluated: 2024-12-30. Review status: criteria provided, single submitter. Criteria: Invitae Variant Classification Sherloc (09022015). Collection method: clinical testing. Allele origin: germline.
Comment: This sequence change falls in intron 2 of the ELANE gene. It does not directly change the encoded amino acid sequence of the ELANE protein. Information on the frequency of this variant in the gnomAD database is not available, as this variant may be reported differently in the database. This variant has not been reported in the literature in individuals affected with ELANE-related conditions. Experimental studies and prediction algorithms are not available or were not evaluated, and the effect of this variant on mRNA splicing is currently unknown. In summary, the available evidence is currently insufficient to determine the role of this variant in disease. Therefore, it has been classified as a Variant of Uncertain Significance.

NM_001972.4(ELANE):c.225-19_225-18delinsCA

Gene: ELANE (elastase, neutrophil expressed; plus strand). Cytogenetic location: 19p13.3.
Variant type: Indel.
Coding change: c.225-19_225-18delinsCA on transcript NM_001972.4 (MANE Select); 19 bases into the intron before coding-DNA position 225 through 18 bases into the intron before coding-DNA position 225, GC replaced by CA.
Molecular consequence: intron variant.
Genome position (GRCh38, 1-based): chr19:853,243-853,244, GC replaced by CA. VCF-style: chr19-853243-GC-CA. GRCh37 (hg19) VCF-style: chr19-853243-GC-CA.
Identifiers: ClinVar variation 3763367 (VCV003763367.2).